The following is an entry in ClinVar:

ClinVar aggregate classification (germline): Uncertain significance (1 of 4 stars; one submission).

Conditions:
Familial cold autoinflammatory syndrome 4 (FCAS4). Identifiers: Orphanet 47045, Orphanet 576349, MedGen C4015276, MONDO:0014498, OMIM 616115.
Periodic fever-infantile enterocolitis-autoinflammatory syndrome. Also called: Autoinflammation with infantile enterocolitis. Identifiers: Orphanet 436166, MedGen C4015067, MONDO:0014472, OMIM 616050.

Allele frequency attached by ClinVar (database versions not stated): gnomAD 0.00002 and 0.00001; TOPMed 0.00002.
gnomAD v4.1: 4 of 1,614,076 alleles (0.00025%); highest among the groups gnomAD compares: African/African-American, 0.0053%; no homozygotes.

Submission:

Labcorp Genetics (formerly Invitae), Labcorp
Classification: Uncertain significance for Periodic fever-infantile enterocolitis-autoinflammatory syndrome; Familial cold autoinflammatory syndrome 4. Last evaluated: 2025-11-18. Review status: criteria provided, single submitter. Criteria: Invitae Variant Classification Sherloc (09022015). Collection method: clinical testing. Allele origin: germline.
Comment: This sequence change replaces serine, which is neutral and polar, with threonine, which is neutral and polar, at codon 489 of the NLRC4 protein (p.Ser489Thr). This variant is present in population databases (rs780366620, gnomAD 0.01%). This variant has not been reported in the literature in individuals affected with NLRC4-related conditions. ClinVar contains an entry for this variant (Variation ID: 850983). Invitae Evidence Modeling of protein sequence and biophysical properties (such as structural, functional, and spatial information, amino acid conservation, physicochemical variation, residue mobility, and thermodynamic stability) indicates that this missense variant is not expected to disrupt NLRC4 protein function with a negative predictive value of 80%. In summary, the available evidence is currently insufficient to determine the role of this variant in disease. Therefore, it has been classified as a Variant of Uncertain Significance.

NM_001199138.2(NLRC4):c.1466G>C (p.Ser489Thr)

Gene: NLRC4 (NLR family CARD domain containing 4; minus strand). Cytogenetic location: 2p22.3.
Variant type: single nucleotide variant.
Coding change: c.1466G>C on transcript NM_001199138.2 (MANE Select); coding-DNA position 1466, G replaced by C.
Protein change: p.Ser489Thr; replaces serine 489 with threonine.
Molecular consequence: missense variant. On other transcripts: intron variant (1).
Genome position (GRCh38, 1-based): chr2:32,250,398, C>G on the plus strand (G>C on the coding strand, the complement: NLRC4 is on the minus strand). VCF-style: chr2-32250398-C-G. GRCh37 (hg19) VCF-style: chr2-32475467-C-G.
Other names: c.1466G>C, p.Ser489Thr (NM_001199139.2, NM_021209.5); c.262+2021G>C (NM_001302504.1); short protein forms S489T.
Identifiers: ClinVar variation 850983 (VCV000850983.10), dbSNP rs780366620, ClinGen allele CA1601991.